The following is an entry in ClinVar:

NM_001844.5(COL2A1):c.502G>T (p.Gly168Cys)

Gene: COL2A1 (collagen type II alpha 1 chain; minus strand). Cytogenetic location: 12q13.11.
Variant type: single nucleotide variant.
Coding change: c.502G>T on transcript NM_001844.5 (MANE Select); coding-DNA position 502, G replaced by T.
Protein change: p.Gly168Cys; replaces glycine 168 with cysteine.
Molecular consequence: missense variant.
Genome position (GRCh38, 1-based): chr12:47,997,635, C>A on the plus strand (G>T on the coding strand, the complement: COL2A1 is on the minus strand). VCF-style: chr12-47997635-C-A. GRCh37 (hg19) VCF-style: chr12-48391418-C-A.
Other names: c.295G>T, p.Gly99Cys (NM_033150.3); short protein forms G168C, G99C.
Identifiers: ClinVar variation 4531416 (VCV004531416.1).
Genomic context (GRCh38, chr12:47,997,635, plus strand): 5'-GCCTGAAGGAATGGGAAGTAAGGATACTTACTCCACCAAGACCAGGGGGACCAGGGGGGC[C>A]GGGAGGACCAGGGGGGCCAGGATTTCCAGGGGTCCCAGGTTCTCCATCTCTGCCACGAGG-3'
Protein context (NP_001835.3, residues 158-178): PGNPGPPGPP[Gly168Cys]PPGPPGLGGN

ClinVar aggregate classification (germline): Likely pathogenic (1 of 4 stars; one submission).

Conditions:
Type 2 collagenopathy. Identifiers: Orphanet 93421, MedGen C2931073, MONDO:0022800.

gnomAD v4.1: 1 of 1,613,688 alleles (0.000062%); highest among the groups gnomAD compares: Non-Finnish European, 0.000085%; no homozygotes.

Submission:

Victorian Clinical Genetics Services, Murdoch Childrens Research Institute
Classification: Likely pathogenic for Type 2 collagenopathy. Last evaluated: 2024-10-24. Review status: criteria provided, single submitter. Criteria: ACMG Guidelines, 2015. Collection method: clinical testing. Allele origin: germline.
Comment: This variant is classified as Likely pathogenic. Evidence in support of pathogenic classification: Variant is present in gnomAD <0.001 for a dominant condition (v4: 1 heterozygote(s), 0 homozygote(s)); Variant is located in the well-established functional Gly-X-Y repeat of the collagen triple helical domain (DECIPHER); Missense variant consistently predicted to be damaging by in silico tool or highly conserved with a major amino acid change. Additional information: Variant is predicted to result in a missense amino acid change from glycine to cysteine; This variant is heterozygous; This gene is associated with autosomal dominant disease; Multiple alternative amino acid changes at the same position have been observed in gnomAD (v4) (highest allele count: 7 heterozygotes, 0 homozygotes); This variant has no previous evidence of pathogenicity; No published segregation evidence has been identified for this variant; No published functional evidence has been identified for this variant; No comparable missense variants have previous evidence for pathogenicity; Dominant negative and loss of function are known mechanisms of disease in this gene and are associated with COL2A1-related disorders. Loss of function variants have been reported to cause Stickler syndrome, whereas missense variants with a dominant negative effect on protein function result in spondyloepiphyseal or spondyloepimetaphyseal dysplasia (OMIM, PMIDs: 35052477, 15895462); Variants in this gene are known to have variable expressivity (PMID: 20301479); Inheritance information for this variant is not currently available in this individual.

Literature cited by the submitters: PubMed 15895462; PubMed 20301479; PubMed 35052477.